The following is an entry in ClinVar:

ClinVar aggregate classification (germline): Pathogenic/Likely pathogenic. Review status: criteria provided, multiple submitters, no conflicts (2 of 4 stars). 2 submissions from 2 submitters: Pathogenic (1); Likely pathogenic (1). Last evaluated 2023-12-22.

Conditions:
Glycogen storage disease, type VII (GSD7). Also called: MUSCLE PHOSPHOFRUCTOKINASE DEFICIENCY; PFKM DEFICIENCY; TARUI DISEASE; GSD VII. Identifiers: Orphanet 371, MedGen C0017926, MONDO:0009295, OMIM 232800.

Allele frequency attached by ClinVar (database versions not stated): gnomAD exomes below 0.00001.
gnomAD v4.1: 2 of 1,614,192 alleles (0.00012%); highest among the groups gnomAD compares: African/African-American, 0.0013%; no homozygotes.

Submissions (2):

Myriad Genetics, Inc.
Classification: Pathogenic for Glycogen storage disease, type VII. Last evaluated: 2023-12-22. Review status: criteria provided, single submitter. Criteria: Myriad Autosomal Dominant, Autosomal Recessive and X-Linked Classification Criteria (2023). Collection method: clinical testing. Allele origin: unknown.
Comment: NM_001166686.1(PFKM):c.608G>A(W203*) is expected to be pathogenic in the context of glycogen storage disease, PFKM-related. This variant is predicted to lead to an abnormal or absent protein product due to the creation of a premature termination codon in PFKM, a gene where loss-of-function variants are known to be pathogenic. Please note: this variant was assessed in the context of healthy population screening.

Baylor Genetics
Classification: Likely pathogenic for Glycogen storage disease, type VII. Last evaluated: 2022-11-16. Review status: criteria provided, single submitter. Criteria: ACMG Guidelines, 2015. Collection method: clinical testing. Allele origin: unknown.

NM_000289.6(PFKM):c.395G>A (p.Trp132Ter)

Gene: PFKM (phosphofructokinase, muscle; plus strand). Cytogenetic location: 12q13.11.
Variant type: single nucleotide variant.
Coding change: c.395G>A on transcript NM_000289.6 (MANE Select); coding-DNA position 395, G replaced by A.
Protein change: p.Trp132Ter; replaces tryptophan 132 with a stop codon.
Molecular consequence: nonsense. On other transcripts: non-coding transcript variant (6).
Genome position (GRCh38, 1-based): chr12:48,133,025, G>A. VCF-style: chr12-48133025-G-A. GRCh37 (hg19) VCF-style: chr12-48526808-G-A.
Other names: c.395G>A, p.Trp132Ter (NM_001166687.2, NM_001166688.2, NM_001354742.2 and 4 more transcripts); c.704G>A, p.Trp235Ter (NM_001354735.1, NM_001354736.1); c.608G>A, p.Trp203Ter (NM_001354737.1, NM_001354738.1, NM_001354739.1 and 1 more transcripts); c.539G>A, p.Trp180Ter (NM_001354740.1); c.419G>A, p.Trp140Ter (NM_001354741.2); c.308G>A, p.Trp103Ter (NM_001354745.2); c.245G>A, p.Trp82Ter (NM_001354747.2, NM_001354748.2); short protein forms W103*, W132*, W140*, W180*, W203*, W235*, W82*.
Identifiers: ClinVar variation 2677748 (VCV002677748.2), dbSNP rs1335397957, ClinGen allele CA384542441.